The following is an entry in ClinVar:

ClinVar aggregate classification (germline): Pathogenic (1 of 4 stars; one submission).

Conditions:
Cataract 14 multiple types. Also called: CATARACT 14, NUCLEAR PULVERULENT AND POSTERIOR POLAR; CATARACT 14, NUCLEAR CORALLIFORM; CATARACT 14, EMBRYONAL NUCLEAR; CATARACT 14, COPPOCK-LIKE; CATARACT 14, ZONULAR PULVERULENT; CATARACT 14, NUCLEAR PULVERULENT. Identifiers: Orphanet 91492, MedGen C1866078, MONDO:0011162, OMIM 601885.

Submission:

Department of Human Genetics, University Hospital Bern, Inselspital
Classification: Pathogenic for Cataract 14 multiple types. Last evaluated: 2025-09-18. Review status: criteria provided, single submitter. Criteria: ACMG Guidelines, 2015. Collection method: clinical testing. Allele origin: unknown. Inheritance: Autosomal dominant inheritance. Affected: yes. Observed: 1 heterozygote.
Comment: This missense variant p.(Asp47Gly) is classified as pathogenic according to ACMG criteria. It is not listed in the gnomAD v4.1 population database and, to our knowledge, has never been described in association with a genetic disease. The variant is predicted to be pathogenic by the prediction program REVEL. Furthermore, the variant is located in an important protein domain in which many pathogenic missense variants (hotspot) have been described. Another missense variant at the affected amino acid position has been described multiple times and predominantly as pathogenic (p.(Asp47Asn) e.g. in Yang et al., 2011, PMID: 21552498; ClinVar Variation ID: 3253681).

Literature cited by the submitters: PubMed 21552498.

NM_021954.4(GJA3):c.140A>G (p.Asp47Gly)

Gene: GJA3 (gap junction protein alpha 3; minus strand). Cytogenetic location: 13q12.11.
Variant type: single nucleotide variant.
Coding change: c.140A>G on transcript NM_021954.4 (MANE Select); coding-DNA position 140, A replaced by G.
Protein change: p.Asp47Gly; replaces aspartic acid 47 with glycine.
Molecular consequence: missense variant.
Genome position (GRCh38, 1-based): chr13:20,143,149, T>C on the plus strand (A>G on the coding strand, the complement: GJA3 is on the minus strand). VCF-style: chr13-20143149-T-C. GRCh37 (hg19) VCF-style: chr13-20717288-T-C.
Other names: short protein forms D47G.
Identifiers: ClinVar variation 4277287 (VCV004277287.1).
Genomic context (GRCh38, chr13:20,143,149, plus strand): 5'-TCGTAGCAGACGTTCTCGCAGCCCGGCTGCTGGGTGTTGCAGGTGAAGTCTGACTGCTCA[T>C]CGCCCCACACGTCCTCCGCCGCGGCCCCCAGCACCAAGATGCGGAAGATGAACAGCACGG-3'
Protein context (NP_068773.2, residues 37-57): LGAAAEDVWG[Asp47Gly]EQSDFTCNTQ